The following is an entry in ClinVar:

ClinVar aggregate classification (germline): Likely pathogenic (1 of 4 stars; one submission).

Conditions:
Wilson disease (WND). Also called: Wilson's disease. Identifiers: Orphanet 905, MedGen C0019202, MONDO:0010200, OMIM 277900. Disease mechanism: loss of function.

Submission:

Myriad Genetics, Inc.
Classification: Likely pathogenic for Wilson disease. Last evaluated: 2019-05-10. Review status: criteria provided, single submitter. Criteria: Myriad Women's Health Autosomal Recessive and X-Linked Classification Criteria (2019). Collection method: clinical testing. Allele origin: unknown.
Comment: NM_000053.3(ATP7B):c.220A>T(K74*) is expected to be pathogenic in the context of Wilson disease. This variant is predicted to lead to an abnormal or absent protein product due to the creation of a premature termination codon in ATP7B, a gene where loss-of-function variants are known to be pathogenic. Please note: this variant was assessed in the context of healthy population screening.

NM_000053.4(ATP7B):c.220A>T (p.Lys74Ter)

Gene: ATP7B (ATPase copper transporting beta; minus strand). Cytogenetic location: 13q14.3.
Variant type: single nucleotide variant.
Coding change: c.220A>T on transcript NM_000053.4 (MANE Select); coding-DNA position 220, A replaced by T.
Protein change: p.Lys74Ter; replaces lysine 74 with a stop codon.
Molecular consequence: nonsense.
Genome position (GRCh38, 1-based): chr13:51,975,000, T>A on the plus strand (A>T on the coding strand, the complement: ATP7B is on the minus strand). VCF-style: chr13-51975000-T-A. GRCh37 (hg19) VCF-style: chr13-52549136-T-A.
Other names: c.220A>T, p.Lys74Ter (NM_001005918.3, NM_001243182.2, NM_001330578.2 and 1 more transcripts); short protein forms K74*.
Identifiers: ClinVar variation 983828 (VCV000983828.3), dbSNP rs1952035259, ClinGen allele CA388044911.
Genomic context (GRCh38, chr13:51,975,000, plus strand): 5'-CCAGGGAAACCTTCATGCTGATGATGCCTTTCAAATTGGAAATCCTGTCCTCAATGGACT[T>A]CACACATGACTGGCAAGTCATGCCCAAGATCCTGACTGTGCTGGTGGCCACCTGAGAAGA-3'